The following is an entry in ClinVar:

ClinVar aggregate classification (germline): Uncertain significance (1 of 4 stars; one submission).

Conditions:
Immunodeficiency 67. Also called: Immunodeficiency due to interleukin-1 receptor-associated kinase-4 deficiency. Identifiers: Orphanet 70592, MedGen C1843256, MONDO:0011888, OMIM 607676.

Allele frequency attached by ClinVar (database versions not stated): gnomAD exomes below 0.00001 and 0.00001; TOPMed below 0.00001; gnomAD 0.00001; ExAC 0.00002.
gnomAD v4.1: 6 of 1,558,384 alleles (0.00039%); highest among the groups gnomAD compares: Admixed American, 0.0083%; no homozygotes.

Submission:

Labcorp Genetics (formerly Invitae), Labcorp
Classification: Uncertain significance for Immunodeficiency 67. Last evaluated: 2021-08-30. Review status: criteria provided, single submitter. Criteria: Invitae Variant Classification Sherloc (09022015). Collection method: clinical testing. Allele origin: germline.
Comment: This sequence change replaces aspartic acid with asparagine at codon 278 of the IRAK4 protein (p.Asp278Asn). The aspartic acid residue is weakly conserved and there is a small physicochemical difference between aspartic acid and asparagine. This variant is present in population databases (rs757311009, ExAC 0.02%). This variant has not been reported in the literature in individuals affected with IRAK4-related conditions. Algorithms developed to predict the effect of missense changes on protein structure and function (SIFT, PolyPhen-2, Align-GVGD) all suggest that this variant is likely to be tolerated. Algorithms developed to predict the effect of sequence changes on RNA splicing suggest that this variant may disrupt the consensus splice site. In summary, the available evidence is currently insufficient to determine the role of this variant in disease. Therefore, it has been classified as a Variant of Uncertain Significance.

NM_016123.4(IRAK4):c.832G>A (p.Asp278Asn)

Gene: IRAK4 (interleukin 1 receptor associated kinase 4; plus strand). Cytogenetic location: 12q12.
Variant type: single nucleotide variant.
Coding change: c.832G>A on transcript NM_016123.4 (MANE Select); coding-DNA position 832, G replaced by A.
Protein change: p.Asp278Asn; replaces aspartic acid 278 with asparagine.
Molecular consequence: missense variant.
Genome position (GRCh38, 1-based): chr12:43,778,193, G>A. VCF-style: chr12-43778193-G-A. GRCh37 (hg19) VCF-style: chr12-44171996-G-A.
Other names: c.832G>A, p.Asp278Asn (NM_001114182.3, NM_001351345.2); c.460G>A, p.Asp154Asn (NM_001145256.2, NM_001145257.2, NM_001145258.2 and 5 more transcripts); c.223G>A, p.Asp75Asn (NM_001351343.2, NM_001351344.2); short protein forms D154N, D278N, D75N.
Identifiers: ClinVar variation 1467470 (VCV001467470.5), dbSNP rs757311009, ClinGen allele CA6522508.